The following is an entry in ClinVar:

ClinVar aggregate classification (germline): Uncertain significance (1 of 4 stars; one submission).

Conditions:
Early-infantile DEE. Also called: Early infantile epileptic encephalopathy; Early infantile epileptic encephalopathy with suppression bursts; Ohtahara syndrome. Identifiers: Orphanet 1934, MedGen C0393706, MONDO:0800491.

Submission:

Labcorp Genetics (formerly Invitae), Labcorp
Classification: Uncertain significance for Early-infantile DEE. Last evaluated: 2022-01-13. Review status: criteria provided, single submitter. Criteria: Invitae Variant Classification Sherloc (09022015). Collection method: clinical testing. Allele origin: germline.
Comment: Algorithms developed to predict the effect of missense changes on protein structure and function are either unavailable or do not agree on the potential impact of this missense change (SIFT: "Deleterious"; PolyPhen-2: "Probably Damaging"; Align-GVGD: "Class C0"). In summary, the available evidence is currently insufficient to determine the role of this variant in disease. Therefore, it has been classified as a Variant of Uncertain Significance. This variant has not been reported in the literature in individuals affected with SCN8A-related conditions. This variant is not present in population databases (gnomAD no frequency). This sequence change replaces leucine, which is neutral and non-polar, with serine, which is neutral and polar, at codon 1845 of the SCN8A protein (p.Leu1845Ser).

NM_001330260.2(SCN8A):c.5534T>C (p.Leu1845Ser)

Gene: SCN8A (sodium voltage-gated channel alpha subunit 8; plus strand). Cytogenetic location: 12q13.13.
Variant type: single nucleotide variant.
Coding change: c.5534T>C on transcript NM_001330260.2 (MANE Select); coding-DNA position 5534, T replaced by C.
Protein change: p.Leu1845Ser; replaces leucine 1845 with serine.
Molecular consequence: missense variant.
Genome position (GRCh38, 1-based): chr12:51,807,020, T>C. VCF-style: chr12-51807020-T-C. GRCh37 (hg19) VCF-style: chr12-52200804-T-C.
Other names: c.5411T>C, p.Leu1804Ser (NM_001177984.3, NM_001369788.1); c.5534T>C, p.Leu1845Ser (NM_014191.4); short protein forms L1845S, L1804S.
Identifiers: ClinVar variation 1485787 (VCV001485787.7), dbSNP rs1555231063, ClinGen allele CA384887278.